The following is an entry in ClinVar:

ClinVar aggregate classification (germline): Uncertain significance (1 of 4 stars; one submission).

Allele frequency attached by ClinVar (database versions not stated): gnomAD exomes below 0.00001; ExAC 0.00001.
gnomAD v4.1: 3 of 1,613,518 alleles (0.00019%); highest among the groups gnomAD compares: Admixed American, 0.0017%; no homozygotes.

Submission:

Labcorp Genetics (formerly Invitae), Labcorp
Classification: Uncertain significance. Last evaluated: 2025-05-12. Review status: criteria provided, single submitter. Criteria: Invitae Variant Classification Sherloc (09022015). Collection method: clinical testing. Allele origin: germline.
Comment: This sequence change replaces proline, which is neutral and non-polar, with serine, which is neutral and polar, at codon 475 of the ZNF687 protein (p.Pro475Ser). This variant is present in population databases (rs774541085, gnomAD 0.007%). This variant has not been reported in the literature in individuals affected with ZNF687-related conditions. ClinVar contains an entry for this variant (Variation ID: 2813464). An algorithm developed to predict the effect of missense changes on protein structure and function (PolyPhen-2) suggests that this variant is likely to be tolerated. In summary, the available evidence is currently insufficient to determine the role of this variant in disease. Therefore, it has been classified as a Variant of Uncertain Significance.

NM_020832.3(ZNF687):c.1423C>T (p.Pro475Ser)

Gene: ZNF687 (zinc finger protein 687; plus strand). Cytogenetic location: 1q21.3.
Variant type: single nucleotide variant.
Coding change: c.1423C>T on transcript NM_020832.3 (MANE Select); coding-DNA position 1423, C replaced by T.
Protein change: p.Pro475Ser; replaces proline 475 with serine.
Molecular consequence: missense variant.
Genome position (GRCh38, 1-based): chr1:151,287,714, C>T. VCF-style: chr1-151287714-C-T. GRCh37 (hg19) VCF-style: chr1-151260190-C-T.
Other names: c.1423C>T, p.Pro475Ser (NM_001304763.2, NM_001304764.2); short protein forms P475S.
Identifiers: ClinVar variation 2813464 (VCV002813464.3), dbSNP rs774541085, ClinGen allele CA1088329.
Genomic context (GRCh38, chr1:151,287,714, plus strand): 5'-CGGGCAGGGCTGGGGACTGGGGGACAGAAGGTGAATGGTGCCTCGGTGGTGATGGTGCAA[C>T]CTTCAAAGACAGCTACTGGGCCAAGTACAGGGGGCGGCACAGTGATATCACGGACCCAGT-3'
Protein context (NP_065883.1, residues 465-485): VNGASVVMVQ[Pro475Ser]SKTATGPSTG